The following is an entry in ClinVar:

ClinVar aggregate classification (germline): Benign (1 of 4 stars; one submission).

gnomAD v4.1: 4,233 of 1,536,220 alleles (0.28%); highest among the groups gnomAD compares: South Asian, 3.4%; 96 homozygotes.

Submission:

Mayo Clinic Laboratories, Mayo Clinic
Classification: Benign. Last evaluated: 2022-11-21. Review status: criteria provided, single submitter. Criteria: ACMG Guidelines, 2015. Collection method: clinical testing. Allele origin: germline. Observed: 5 variant alleles.
Comment: BA1, BP4, BP7

NM_001321142.2(CIDEC):c.-26+185G>A

Gene: CIDEC (cell death inducing DFFA like effector c; minus strand). Cytogenetic location: 3p25.3.
Variant type: single nucleotide variant.
Coding change: c.-26+185G>A on transcript NM_001321142.2 (MANE Select); 185 bases into the intron after 26 bases upstream of the start codon, G replaced by A.
Molecular consequence: intron variant. On other transcripts: 5 prime UTR variant (1).
Genome position (GRCh38, 1-based): chr3:9,878,757, C>T on the plus strand (G>A on the coding strand, the complement: CIDEC is on the minus strand). VCF-style: chr3-9878757-C-T. GRCh37 (hg19) VCF-style: chr3-9920441-C-T.
Other names: p.?; c.-39G>A (NM_001378491.1); c.-26+185G>A (NM_022094.3); c.-93-246G>A (NM_001321144.2); c.-25-246G>A (NM_001199552.2, NM_001199551.2); c.-94+185G>A (NM_001321143.2); c.14+22G>A (NM_001199623.2).
Identifiers: ClinVar variation 4684678 (VCV004684678.1).